The following is an entry in ClinVar:

NM_020988.3(GNAO1):c.280G>A (p.Glu94Lys)

Gene: GNAO1 (G protein subunit alpha o1; plus strand). Cytogenetic location: 16q13.
Variant type: single nucleotide variant.
Coding change: c.280G>A on transcript NM_020988.3 (MANE Select); coding-DNA position 280, G replaced by A.
Protein change: p.Glu94Lys; replaces glutamic acid 94 with lysine.
Molecular consequence: missense variant.
Genome position (GRCh38, 1-based): chr16:56,276,049, G>A. VCF-style: chr16-56276049-G-A. GRCh37 (hg19) VCF-style: chr16-56309961-G-A.
Other names: c.280G>A, p.Glu94Lys (NM_138736.3); short protein forms E94K.
Identifiers: ClinVar variation 2629073 (VCV002629073.1), dbSNP rs2037058679, ClinGen allele CA396128218.

ClinVar aggregate classification (germline): Uncertain significance (1 of 4 stars; one submission).

Conditions:
GNAO1-related disorder. Also called: GNAO1-related condition; GNAO1-Related Disorders. Identifiers: MedGen CN381308.

Allele frequency attached by ClinVar (database versions not stated): gnomAD exomes below 0.00001.
gnomAD v4.1: 3 of 1,613,966 alleles (0.00019%); highest among the groups gnomAD compares: East Asian, 0.0022%; no homozygotes.

Submission:

PreventionGenetics, part of Exact Sciences
Classification: Uncertain significance for GNAO1-related condition. Last evaluated: 2022-08-26. Review status: criteria provided, single submitter. Criteria: ACMG Guidelines, 2015. Collection method: clinical testing. Allele origin: germline.
Comment: The GNAO1 c.280G>A variant is predicted to result in the amino acid substitution p.Glu94Lys. To our knowledge, this variant has not been reported in the literature or in a large population database, indicating this variant is rare. At this time, the clinical significance of this variant is uncertain due to the absence of conclusive functional and genetic evidence.